The following is an entry in ClinVar:

NM_003126.4(SPTA1):c.*68C>G

Genes: OR10Z1 (olfactory receptor family 10 subfamily Z member 1; plus strand), SPTA1 (spectrin alpha, erythrocytic 1; minus strand). Cytogenetic location: 1q23.1.
Variant type: single nucleotide variant.
Coding change: c.*68C>G on transcript NM_003126.4 (MANE Select); 68 bases downstream of the stop codon, C replaced by G.
Molecular consequence: 3 prime UTR variant.
Genome position (GRCh38, 1-based): chr1:158,611,196, G>C on the plus strand (C>G on the coding strand, the complement: SPTA1 is on the minus strand). VCF-style: chr1-158611196-G-C. GRCh37 (hg19) VCF-style: chr1-158580986-G-C.
Identifiers: ClinVar variation 292934 (VCV000292934.6), dbSNP rs186892978, ClinGen allele CA10608368.
Genomic context (GRCh38, chr1:158,611,196, plus strand): 5'-CACACACACACACACACACACACACACACACGAGGCCATCTTTATCTTCCACATTTGCCT[G>C]TACTCTTTGCCCCCCAGTAAATTTCCCACGACACTAAGATTTTCTACGATCCACGAGGAG-3'

ClinVar aggregate classification (germline): Conflicting classifications of pathogenicity. Review status: criteria provided, conflicting classifications (1 of 4 stars). 4 submissions from 2 submitters: Uncertain significance (2); Benign (1); Likely benign (1). Last evaluated 2025-03-04.

Conditions:
Hereditary spherocytosis type 3. Also called: Spherocytosis type 3; SPTA1-Related Spherocytosis. Identifiers: Orphanet 822, MedGen C2678338, MONDO:0010053, OMIM 270970.
Pyropoikilocytosis, hereditary. Also called: Pyropoikilocytosis. Identifiers: MedGen C0520739, MONDO:0009948, OMIM 266140, HP:0004839. Disease mechanism: loss of function.
Elliptocytosis 2 (EL2). Also called: ELLIPTOCYTOSIS, RHESUS-UNLINKED TYPE. Identifiers: Orphanet 288, MedGen C1851741, MONDO:0007533, OMIM 130600.

Allele frequency attached by ClinVar (database versions not stated): TOPMed 0.00049; 1000 Genomes Project 30x 0.00125; 1000 Genomes Project 0.00160; gnomAD 0.00388 and 0.00406.
gnomAD v4.1: 3,817 of 1,575,840 alleles (0.24%); highest among the groups gnomAD compares: East Asian, 0.28%; 69 homozygotes.

Submissions (4):

Mayo Clinic Laboratories, Mayo Clinic
Classification: Benign. Last evaluated: 2025-03-04. Review status: criteria provided, single submitter. Criteria: ACMG Guidelines, 2015. Collection method: clinical testing. Allele origin: germline. Observed: 2 variant alleles.
Comment: BS1, BS2, BP4

Illumina Laboratory Services, Illumina
Classification: Uncertain significance for Hereditary spherocytosis type 3. Last evaluated: 2018-01-13. Review status: criteria provided, single submitter. Criteria: ICSL Variant Classification Criteria 13 December 2019. Collection method: clinical testing. Allele origin: germline.

Illumina Laboratory Services, Illumina
Classification: Uncertain significance for Pyropoikilocytosis, hereditary. Last evaluated: 2018-01-13. Review status: criteria provided, single submitter. Criteria: ICSL Variant Classification Criteria 13 December 2019. Collection method: clinical testing. Allele origin: germline.

Illumina Laboratory Services, Illumina
Classification: Likely benign for Elliptocytosis 2. Last evaluated: 2018-01-13. Review status: criteria provided, single submitter. Criteria: ICSL Variant Classification Criteria 13 December 2019. Collection method: clinical testing. Allele origin: germline.
Comment: This variant was observed in the ICSL laboratory as part of a predisposition screen in an ostensibly healthy population. It had not been previously curated by ICSL or reported in the Human Gene Mutation Database (HGMD: prior to June 1st, 2018), and was therefore a candidate for classification through an automated scoring system. Utilizing variant allele frequency, disease prevalence and penetrance estimates, and inheritance mode, an automated score was calculated to assess if this variant is too frequent to cause the disease. Based on the score and internal cut-off values, a variant classified as likely benign is not then subjected to further curation. The score for this variant resulted in a classification of likely benign for this disease.